The following is an entry in ClinVar:

ClinVar aggregate classification (germline): not provided (0 of 4 stars; one submission).

Allele frequency attached by ClinVar (database versions not stated): 1000 Genomes Project 0.00080; 1000 Genomes Project 30x 0.00094; gnomAD 0.00258 and 0.00266; TOPMed 0.00260; gnomAD exomes 0.00288 and 0.00375; ESP Exome Variant Server 0.00294; ExAC 0.00433.
gnomAD v4.1: 5,638 of 1,557,558 alleles (0.36%); highest among the groups gnomAD compares: Middle Eastern, 0.77%; 19 homozygotes.

Submission:

Human Evolutionary Genetics, Institut Pasteur
No classification provided. Review status: no classification provided. Collection method: not provided. Allele origin: germline.
ClinVar note: Converted during submission from untested to not provided.

NM_001276700.2(NLRP6):c.2538-36C>A

Gene: NLRP6 (NLR family pyrin domain containing 6; plus strand). Cytogenetic location: 11p15.5.
Variant type: single nucleotide variant.
Coding change: c.2538-36C>A on transcript NM_001276700.2 (MANE Select); 36 bases into the intron before coding-DNA position 2538, C replaced by A.
Molecular consequence: intron variant.
Genome position (GRCh38, 1-based): chr11:285,130, C>A. VCF-style: chr11-285130-C-A. GRCh37 (hg19) VCF-style: chr11-285130-C-A.
Other names: c.2541-36C>A (NM_138329.2).
Identifiers: ClinVar variation 103241 (VCV000103241.2), dbSNP rs199475817, ClinGen allele CA230305.
Genomic context (GRCh38, chr11:285,130, plus strand): 5'-ACTGCCCGCGGCCCGGCTGCCCCCACGGCACTGCCCCCAAGCCCTGGCTGCTTTCCCCCA[C>A]CGCTGACCCCGCTTCTGCTCTGCGTGTGGCTGCAGTCTGGCCTCTGTGGAGCTGAGCGAG-3'